The following is an entry in ClinVar:

ClinVar aggregate classification (germline): Conflicting classifications of pathogenicity. Review status: criteria provided, conflicting classifications (1 of 4 stars). 6 submissions from 6 submitters: Uncertain significance (1); Benign (1); Likely benign (3). 1 of the submissions does not count toward it. Last evaluated 2025-08-03.

Conditions:
KIF1B-related disorder. Also called: KIF1B-related condition.
Charcot-Marie-Tooth disease type 2. Also called: Charcot-Marie-Tooth type 2. Identifiers: Orphanet 64746, MedGen C0270914, MONDO:0018993.
Neuroblastoma (NB). Identifiers: Orphanet 635, MedGen C0027819, MeSH D009447, MONDO:0005072, HP:0003006.

Allele frequency attached by ClinVar (database versions not stated): gnomAD 0.00005; gnomAD exomes 0.00006 and 0.00011; TOPMed 0.00006; ExAC 0.00007.
gnomAD v4.1: 102 of 1,614,020 alleles (0.0063%); highest among the groups gnomAD compares: Non-Finnish European, 0.00093%; 1 homozygote.

Submissions (6):

Labcorp Genetics (formerly Invitae), Labcorp
Classification: Benign for Charcot-Marie-Tooth disease type 2. Last evaluated: 2025-08-03. Review status: criteria provided, single submitter. Criteria: Invitae Variant Classification Sherloc (09022015). Collection method: clinical testing. Allele origin: germline.

Blueprint Genetics
Classification: Likely benign. Last evaluated: 2024-06-11. Review status: criteria provided, single submitter. Criteria: ACMG Guidelines, 2015. Collection method: clinical testing. Allele origin: germline.

CeGaT Center for Human Genetics Tuebingen
Classification: Likely benign. Last evaluated: 2024-06-01. Review status: criteria provided, single submitter. Criteria: CeGaT Center For Human Genetics Tuebingen Variant Classification Criteria Version 2. Collection method: clinical testing. Allele origin: germline. Affected: yes. Observed: 1 variant allele.
Comment: KIF1B: BP4

Ambry Genetics
Classification: Likely benign. Last evaluated: 2020-11-06. Review status: criteria provided, single submitter. Criteria: Ambry Variant Classification Scheme 2023. Collection method: clinical testing. Allele origin: germline.

Illumina Laboratory Services, Illumina
Classification: Uncertain significance for Neuroblastoma. Last evaluated: 2018-01-13. Review status: criteria provided, single submitter. Criteria: ICSL Variant Classification Criteria 13 December 2019. Collection method: clinical testing. Allele origin: germline.

PreventionGenetics, part of Exact Sciences
Classification: Likely benign for KIF1B-related condition. Last evaluated: 2024-07-18. Review status: no assertion criteria provided. Collection method: clinical testing. Allele origin: germline. Not counted in ClinVar's aggregate classification.
Comment: This variant is classified as likely benign based on ACMG/AMP sequence variant interpretation guidelines (Richards et al. 2015 PMID: 25741868, with internal and published modifications).

NM_001365951.3(KIF1B):c.1341A>G (p.Ser447=)

Gene: KIF1B (kinesin family member 1B; plus strand). Cytogenetic location: 1p36.22.
Variant type: single nucleotide variant.
Coding change: c.1341A>G on transcript NM_001365951.3 (MANE Select); coding-DNA position 1341, A replaced by G.
Protein change: p.Ser447=; no amino-acid change (serine 447 retained).
Molecular consequence: synonymous variant.
Genome position (GRCh38, 1-based): chr1:10,282,440, A>G. VCF-style: chr1-10282440-A-G. GRCh37 (hg19) VCF-style: chr1-10342498-A-G.
Other names: c.1341A>G, p.Ser447= (NM_001365952.1); c.1203A>G, p.Ser401= (NM_001365953.1, NM_015074.3, NM_183416.4).
Identifiers: ClinVar variation 291520 (VCV000291520.37), dbSNP rs763679404, ClinGen allele CA580938.